The following is an entry in ClinVar:

ClinVar aggregate classification (germline): Uncertain significance (1 of 4 stars; one submission).

Submission:

Labcorp Genetics (formerly Invitae), Labcorp
Classification: Uncertain significance. Last evaluated: 2024-10-17. Review status: criteria provided, single submitter. Criteria: Invitae Variant Classification Sherloc (09022015). Collection method: clinical testing. Allele origin: germline.
Comment: This sequence change affects a donor splice site in intron 9 of the CRAT gene. It is expected to disrupt RNA splicing. Variants that disrupt the donor or acceptor splice site typically lead to a loss of protein function (PMID: 16199547), however the current clinical and genetic evidence is not sufficient to establish whether loss-of-function variants in CRAT cause disease. This variant is not present in population databases (gnomAD no frequency). This variant has not been reported in the literature in individuals affected with CRAT-related conditions. Algorithms developed to predict the effect of sequence changes on RNA splicing suggest that this variant may disrupt the consensus splice site. In summary, the available evidence is currently insufficient to determine the role of this variant in disease. Therefore, it has been classified as a Variant of Uncertain Significance.

Literature cited by the submitters: PubMed 16199547.

NM_000755.5(CRAT):c.1205+1G>C

Gene: CRAT (carnitine O-acetyltransferase; minus strand). Cytogenetic location: 9q34.11.
Variant type: single nucleotide variant.
Coding change: c.1205+1G>C on transcript NM_000755.5 (MANE Select); the canonical splice donor site of the intron after coding-DNA position 1205, G replaced by C.
Molecular consequence: splice donor variant.
Genome position (GRCh38, 1-based): chr9:129,098,530, C>G on the plus strand (G>C on the coding strand, the complement: CRAT is on the minus strand). VCF-style: chr9-129098530-C-G. GRCh37 (hg19) VCF-style: chr9-131860809-C-G.
Other names: c.1085+1G>C (NM_001346549.2); c.1205+1G>C (NM_001346547.2); c.1142+1G>C (NM_001346548.2, NM_001257363.3, NM_004003.4); c.1208+1G>C (NM_001346546.2).
Identifiers: ClinVar variation 2826791 (VCV002826791.3), dbSNP rs2490720898, ClinGen allele CA375141572.